The following is an entry in ClinVar:

NM_002029.4(FPR1):c.623T>C (p.Ile208Thr)

Gene: FPR1 (formyl peptide receptor 1; minus strand). Cytogenetic location: 19q13.41.
Variant type: single nucleotide variant.
Coding change: c.623T>C on transcript NM_002029.4 (MANE Select); coding-DNA position 623, T replaced by C.
Protein change: p.Ile208Thr; replaces isoleucine 208 with threonine.
Molecular consequence: missense variant.
Genome position (GRCh38, 1-based): chr19:51,746,372, A>G on the plus strand (T>C on the coding strand, the complement: FPR1 is on the minus strand). VCF-style: chr19-51746372-A-G. GRCh37 (hg19) VCF-style: chr19-52249625-A-G.
Other names: c.623T>C, p.Ile208Thr (NM_001193306.2); short protein forms I208T.
Identifiers: ClinVar variation 1367094 (VCV001367094.8), dbSNP rs200464393, ClinGen allele CA9616415.
Genomic context (GRCh38, chr19:51,746,372, plus strand): 5'-ATCTTGGTGGCAATAAGCCCATAACTGACAGCAACGATGGACATGGGTGCGCTGAAGCCA[A>G]TGATGAACCGGATGATGCCTCTCACCGTCAACATGGCAACGGCCACATTTATCCTCTCTT-3'
Protein context (NP_002020.1, residues 198-218): LTVRGIIRFI[Ile208Thr]GFSAPMSIVA

ClinVar aggregate classification (germline): Uncertain significance (1 of 4 stars; one submission).

Conditions:
Gingival disorder. Also called: Gingival disease. Identifiers: MedGen C0017563, MONDO:0002021.

Allele frequency attached by ClinVar (database versions not stated): gnomAD exomes 0.00001 and 0.00003; ExAC 0.00002; gnomAD 0.00002 and 0.00003; TOPMed 0.00003; 1000 Genomes Project 30x 0.00016; 1000 Genomes Project 0.00020.
gnomAD v4.1: 26 of 1,614,234 alleles (0.0016%); highest among the groups gnomAD compares: Admixed American, 0.017%; no homozygotes.

Submission:

Labcorp Genetics (formerly Invitae), Labcorp
Classification: Uncertain significance for Gingival disorder. Last evaluated: 2025-02-03. Review status: criteria provided, single submitter. Criteria: Invitae Variant Classification Sherloc (09022015). Collection method: clinical testing. Allele origin: germline.
Comment: This sequence change replaces isoleucine, which is neutral and non-polar, with threonine, which is neutral and polar, at codon 208 of the FPR1 protein (p.Ile208Thr). This variant is present in population databases (rs200464393, gnomAD 0.009%). This variant has not been reported in the literature in individuals affected with FPR1-related conditions. ClinVar contains an entry for this variant (Variation ID: 1367094). An algorithm developed to predict the effect of missense changes on protein structure and function (PolyPhen-2) suggests that this variant is likely to be tolerated. In summary, the available evidence is currently insufficient to determine the role of this variant in disease. Therefore, it has been classified as a Variant of Uncertain Significance.